The following is an entry in ClinVar:

NM_003072.5(SMARCA4):c.2860-20C>T

Gene: SMARCA4 (SWI/SNF related BAF chromatin remodeling complex subunit ATPase 4; plus strand). Cytogenetic location: 19p13.2.
Variant type: single nucleotide variant.
Coding change: c.2860-20C>T on transcript NM_003072.5 (MANE Select); 20 bases into the intron before coding-DNA position 2860, C replaced by T.
Molecular consequence: intron variant.
Genome position (GRCh38, 1-based): chr19:11,023,498, C>T. VCF-style: chr19-11023498-C-T. GRCh37 (hg19) VCF-style: chr19-11134174-C-T.
Other names: c.2860-20C>T (NM_001128844.3, NM_001128849.3, NM_001128847.4 and 5 more transcripts).
Identifiers: ClinVar variation 1607513 (VCV001607513.10), dbSNP rs753093920, ClinGen allele CA9204250.

ClinVar aggregate classification (germline): Likely benign. Review status: criteria provided, multiple submitters, no conflicts (2 of 4 stars). 3 submissions from 3 submitters: Likely benign (3). Last evaluated 2026-07-07.

Conditions:
Rhabdoid tumor predisposition syndrome 2 (RTPS2). Identifiers: Orphanet 231108, Orphanet 69077, MedGen C2750074, MONDO:0013224, OMIM 613325.

Allele frequency attached by ClinVar (database versions not stated): gnomAD exomes 0.00004 and 0.00008; ExAC 0.00015; gnomAD 0.00005; TOPMed 0.00006.
gnomAD v4.1: 69 of 1,509,316 alleles (0.0046%); highest among the groups gnomAD compares: Middle Eastern, 0.1%; no homozygotes.

Submissions (3):

Myriad Genetics, Inc.
Classification: Likely benign for Rhabdoid tumor predisposition syndrome 2. Last evaluated: 2026-07-07. Review status: criteria provided, single submitter. Criteria: Myriad Autosomal Dominant, Autosomal Recessive and X-Linked Classification Criteria (2023). Collection method: clinical testing. Allele origin: unknown.
Comment: This variant is considered likely benign. This variant is intronic and is not expected to impact mRNA splicing.

Labcorp Genetics (formerly Invitae), Labcorp
Classification: Likely benign for Rhabdoid tumor predisposition syndrome 2. Last evaluated: 2026-01-20. Review status: criteria provided, single submitter. Criteria: Invitae Variant Classification Sherloc (09022015). Collection method: clinical testing. Allele origin: germline.

Blueprint Genetics
Classification: Likely benign. Last evaluated: 2024-10-01. Review status: criteria provided, single submitter. Criteria: ACMG Guidelines, 2015. Collection method: clinical testing. Allele origin: germline.